The following is an entry in ClinVar:

NM_016122.3(CEP83):c.1048+6A>G

Gene: CEP83 (centrosomal protein 83; minus strand). Cytogenetic location: 12q22.
Variant type: single nucleotide variant.
Coding change: c.1048+6A>G on transcript NM_016122.3 (MANE Select); 6 bases into the intron after coding-DNA position 1048, A replaced by G.
Molecular consequence: intron variant. On other transcripts: missense variant (4), non-coding transcript variant (1).
Genome position (GRCh38, 1-based): chr12:94,369,916, T>C on the plus strand (A>G on the coding strand, the complement: CEP83 is on the minus strand). VCF-style: chr12-94369916-T-C. GRCh37 (hg19) VCF-style: chr12-94763692-T-C.
Other names: c.1054A>G, p.Met352Val (NM_001346460.2, NM_001346461.2); c.742A>G, p.Met248Val (NM_001346462.2); c.517A>G, p.Met173Val (NM_001368042.1); c.1048+6A>G (NM_001346457.2, NM_001042399.2, NM_001368038.1 and 1 more transcripts); c.736+6A>G (NM_001346459.2, NM_001346458.2, NM_001368040.1 and 1 more transcripts); c.823+6A>G (NM_001368041.1); short protein forms M173V, M248V, M352V.
Identifiers: ClinVar variation 1056876 (VCV001056876.6), dbSNP rs562683007, ClinGen allele CA6721772.
Genomic context (GRCh38, chr12:94,369,916, plus strand): 5'-TTAATAATTTGAGTTCATATCTGAAAATAAGCAGCAGCAGCAGCAGCAAGGGAAATCACA[T>C]ATTACCATCCAGTTCACTTTGAATCTTATTCCTTTCTCTTTCTAGCTCACTCTTAGCTCT-3'

ClinVar aggregate classification (germline): Conflicting classifications of pathogenicity. Review status: criteria provided, conflicting classifications (1 of 4 stars). 3 submissions from 3 submitters: Uncertain significance (1); Likely benign (2). Last evaluated 2024-09-20.

Conditions:
Nephronophthisis 18 (NPHP18). Identifiers: Orphanet 655, MedGen C3890591, MONDO:0014374, OMIM 615862.

Allele frequency attached by ClinVar (database versions not stated): gnomAD 0.00001 and 0.00003; TOPMed 0.00001; gnomAD exomes 0.00009 and 0.00017; ExAC 0.00018; 1000 Genomes Project 0.00020; 1000 Genomes Project 30x 0.00031.
gnomAD v4.1: 112 of 1,417,456 alleles (0.0079%); highest among the groups gnomAD compares: South Asian, 0.12%; no homozygotes.

Submissions (3):

3billion
Classification: Likely benign for Nephronophthisis 18. Last evaluated: 2024-09-20. Review status: criteria provided, single submitter. Criteria: ACMG Guidelines, 2015. Collection method: clinical testing. Allele origin: germline. Affected: no.
Comment: The homozygous variant was found in patients diagnosed with another variant in a different gene, with no symptoms related to the gene containing the homozygous variant.

Blueprint Genetics
Classification: Likely benign. Last evaluated: 2024-08-22. Review status: criteria provided, single submitter. Criteria: ACMG Guidelines, 2015. Collection method: clinical testing. Allele origin: germline.

Labcorp Genetics (formerly Invitae), Labcorp
Classification: Uncertain significance for Nephronophthisis 18. Last evaluated: 2022-02-04. Review status: criteria provided, single submitter. Criteria: Invitae Variant Classification Sherloc (09022015). Collection method: clinical testing. Allele origin: germline.
Comment: This sequence change falls in intron 9 of the CEP83 gene. It does not directly change the encoded amino acid sequence of the CEP83 protein. It affects a nucleotide within the consensus splice site. This variant is present in population databases (rs562683007, gnomAD 0.1%). This variant has not been reported in the literature in individuals affected with CEP83-related conditions. ClinVar contains an entry for this variant (Variation ID: 1056876). Variants that disrupt the consensus splice site are a relatively common cause of aberrant splicing (PMID: 17576681, 9536098). Algorithms developed to predict the effect of sequence changes on RNA splicing suggest that this variant is not likely to affect RNA splicing. In summary, the available evidence is currently insufficient to determine the role of this variant in disease. Therefore, it has been classified as a Variant of Uncertain Significance.

Literature cited by the submitters: PubMed 17576681 (cited by Labcorp Genetics (formerly Invitae), Labcorp); PubMed 9536098 (cited by Labcorp Genetics (formerly Invitae), Labcorp).